The following is an entry in ClinVar:

ClinVar aggregate classification (germline): Uncertain significance. Review status: criteria provided, multiple submitters, no conflicts (2 of 4 stars). 2 submissions from 2 submitters: Uncertain significance (2). Last evaluated 2025-04-11.

Conditions:
Vici syndrome (VICIS). Identifiers: Orphanet 1493, MedGen C1855772, MONDO:0009452, OMIM 242840.
Inborn genetic diseases. Identifiers: MedGen C0950123, MeSH D030342.

Allele frequency attached by ClinVar (database versions not stated): gnomAD 0.00008; TOPMed 0.00008; ExAC 0.00001; gnomAD exomes 0.00004.
gnomAD v4.1: 72 of 1,612,708 alleles (0.0045%); highest among the groups gnomAD compares: African/African-American, 0.019%; no homozygotes.

Submissions (2):

Ambry Genetics
Classification: Uncertain significance for Inborn genetic diseases. Last evaluated: 2025-04-11. Review status: criteria provided, single submitter. Criteria: Ambry Variant Classification Scheme 2023. Collection method: clinical testing. Allele origin: germline.

Labcorp Genetics (formerly Invitae), Labcorp
Classification: Uncertain significance for Vici syndrome. Last evaluated: 2022-07-03. Review status: criteria provided, single submitter. Criteria: Invitae Variant Classification Sherloc (09022015). Collection method: clinical testing. Allele origin: germline.
Comment: This sequence change replaces alanine, which is neutral and non-polar, with threonine, which is neutral and polar, at codon 488 of the EPG5 protein (p.Ala488Thr). This variant is present in population databases (rs764382463, gnomAD 0.02%). This variant has not been reported in the literature in individuals affected with EPG5-related conditions. Algorithms developed to predict the effect of missense changes on protein structure and function are either unavailable or do not agree on the potential impact of this missense change (SIFT: "Tolerated"; PolyPhen-2: "Probably Damaging"; Align-GVGD: "Class C0"). In summary, the available evidence is currently insufficient to determine the role of this variant in disease. Therefore, it has been classified as a Variant of Uncertain Significance.

NM_020964.3(EPG5):c.1462G>A (p.Ala488Thr)

Gene: EPG5 (ectopic P-granules 5 autophagy tethering factor; minus strand). Cytogenetic location: 18q21.1.
Variant type: single nucleotide variant.
Coding change: c.1462G>A on transcript NM_020964.3 (MANE Select); coding-DNA position 1462, G replaced by A.
Protein change: p.Ala488Thr; replaces alanine 488 with threonine.
Molecular consequence: missense variant.
Genome position (GRCh38, 1-based): chr18:45,949,519, C>T on the plus strand (G>A on the coding strand, the complement: EPG5 is on the minus strand). VCF-style: chr18-45949519-C-T. GRCh37 (hg19) VCF-style: chr18-43529485-C-T.
Other names: c.1462G>A, p.Ala488Thr (NM_001410858.1, NM_001410859.1); c.1462G>A (NM_020964.2); short protein forms A488T.
Identifiers: ClinVar variation 2148597 (VCV002148597.2), dbSNP rs764382463, ClinGen allele CA8949717.